The following is an entry in ClinVar:

NM_004415.4(DSP):c.4628A>G (p.Glu1543Gly)

Gene: DSP (desmoplakin; plus strand). Cytogenetic location: 6p24.3.
Variant type: single nucleotide variant.
Coding change: c.4628A>G on transcript NM_004415.4 (MANE Select); coding-DNA position 4628, A replaced by G.
Protein change: p.Glu1543Gly; replaces glutamic acid 1543 with glycine.
Molecular consequence: missense variant. On other transcripts: intron variant (2).
Genome position (GRCh38, 1-based): chr6:7,580,818, A>G. VCF-style: chr6-7580818-A-G. GRCh37 (hg19) VCF-style: chr6-7581051-A-G.
Other names: c.4050+578A>G (NM_001319034.2); c.3582+1046A>G (NM_001008844.3); short protein forms E1543G.
Identifiers: ClinVar variation 1714591 (VCV001714591.7), dbSNP rs2533929524, ClinGen allele CA362686814.

ClinVar aggregate classification (germline): Uncertain significance. Review status: criteria provided, multiple submitters, no conflicts (2 of 4 stars). 2 submissions from 2 submitters: Uncertain significance (2). Last evaluated 2022-12-29.

Conditions:
Arrhythmogenic cardiomyopathy with wooly hair and keratoderma. Also called: Carvajal syndrome; Dilated cardiomyopathy with woolly hair and keratoderma; PALMOPLANTAR KERATODERMA WITH LEFT VENTRICULAR CARDIOMYOPATHY AND WOOLLY HAIR; Arrhythmogenic cardiomyopathy with woolly hair and keratoderma. Identifiers: Orphanet 65282, MedGen C1854063, MONDO:0011581, OMIM 605676.
Arrhythmogenic right ventricular dysplasia 8 (ARVD8). Also called: Arrhythmogenic Right Ventricular Dysplasia/Cardiomyopathy 8; ARRHYTHMOGENIC RIGHT VENTRICULAR DYSPLASIA, FAMILIAL, 8; ARRHYTHMOGENIC RIGHT VENTRICULAR CARDIOMYOPATHY 8. Identifiers: MedGen C1843896, MONDO:0011831, OMIM 607450.
Cardiovascular phenotype. Identifiers: MedGen CN230736.

Submissions (2):

Ambry Genetics
Classification: Uncertain significance for Cardiovascular phenotype. Last evaluated: 2022-12-29. Review status: criteria provided, single submitter. Criteria: Ambry Variant Classification Scheme 2023. Collection method: clinical testing. Allele origin: germline.
Comment: The p.E1543G variant (also known as c.4628A>G), located in coding exon 23 of the DSP gene, results from an A to G substitution at nucleotide position 4628. The glutamic acid at codon 1543 is replaced by glycine, an amino acid with similar properties. This amino acid position is conserved. In addition, this alteration is predicted to be deleterious by in silico analysis. Since supporting evidence is limited at this time, the clinical significance of this alteration remains unclear.

Labcorp Genetics (formerly Invitae), Labcorp
Classification: Uncertain significance for Arrhythmogenic cardiomyopathy with wooly hair and keratoderma; Arrhythmogenic right ventricular dysplasia 8. Last evaluated: 2022-07-30. Review status: criteria provided, single submitter. Criteria: Invitae Variant Classification Sherloc (09022015). Collection method: clinical testing. Allele origin: germline.
Comment: This sequence change replaces glutamic acid, which is acidic and polar, with glycine, which is neutral and non-polar, at codon 1543 of the DSP protein (p.Glu1543Gly). This variant is not present in population databases (gnomAD no frequency). This variant has not been reported in the literature in individuals affected with DSP-related conditions. Algorithms developed to predict the effect of missense changes on protein structure and function (SIFT, PolyPhen-2, Align-GVGD) all suggest that this variant is likely to be disruptive. In summary, the available evidence is currently insufficient to determine the role of this variant in disease. Therefore, it has been classified as a Variant of Uncertain Significance.